The following is an entry in ClinVar:

ClinVar aggregate classification (germline): Likely pathogenic (1 of 4 stars; one submission).

Conditions:
Bardet-Biedl syndrome 1 (BBS1). Identifiers: MedGen C2936862, MONDO:0008854, OMIM 209900. Disease mechanism: loss of function.

Submission:

Myriad Genetics, Inc.
Classification: Likely pathogenic for Bardet-Biedl syndrome 1. Last evaluated: 2019-07-23. Review status: criteria provided, single submitter. Criteria: Myriad Women's Health Autosomal Recessive and X-Linked Classification Criteria (2019). Collection method: clinical testing. Allele origin: unknown.
Comment: NM_024649.4(BBS1):c.214A>T(K72*) is expected to be pathogenic in the context of Bardet-Biedl syndrome, BBS1-related. This variant is predicted to lead to an abnormal or absent protein product due to the creation of a premature termination codon in BBS1, a gene where loss-of-function variants are known to be pathogenic. Please note: this variant was assessed in the context of healthy population screening.

NM_024649.5(BBS1):c.214A>T (p.Lys72Ter)

Gene: BBS1 (Bardet-Biedl syndrome 1; plus strand). Cytogenetic location: 11q13.2.
Variant type: single nucleotide variant.
Coding change: c.214A>T on transcript NM_024649.5 (MANE Select); coding-DNA position 214, A replaced by T.
Protein change: p.Lys72Ter; replaces lysine 72 with a stop codon.
Molecular consequence: nonsense.
Genome position (GRCh38, 1-based): chr11:66,514,460, A>T. VCF-style: chr11-66514460-A-T. GRCh37 (hg19) VCF-style: chr11-66281931-A-T.
Other names: short protein forms K72*.
Identifiers: ClinVar variation 983831 (VCV000983831.3), dbSNP rs1856007963, ClinGen allele CA381455931.